The following is an entry in ClinVar:

NM_015267.4(CUX2):c.1088A>T (p.Glu363Val)

Gene: CUX2 (cut like homeobox 2; plus strand). Cytogenetic location: 12q24.12.
Variant type: single nucleotide variant.
Coding change: c.1088A>T on transcript NM_015267.4 (MANE Select); coding-DNA position 1088, A replaced by T.
Protein change: p.Glu363Val; replaces glutamic acid 363 with valine.
Molecular consequence: missense variant.
Genome position (GRCh38, 1-based): chr12:111,307,236, A>T. VCF-style: chr12-111307236-A-T. GRCh37 (hg19) VCF-style: chr12-111745040-A-T.
Other names: c.902A>T, p.Glu301Val (NM_001370598.1); short protein forms E301V, E363V.
Identifiers: ClinVar variation 2413033 (VCV002413033.3), dbSNP rs2499820046, ClinGen allele CA386708109.

ClinVar aggregate classification (germline): Uncertain significance (1 of 4 stars; one submission).

Allele frequency attached by ClinVar (database versions not stated): gnomAD exomes below 0.00001.
gnomAD v4.1: 1 of 1,614,132 alleles (0.000062%); highest among the groups gnomAD compares: Non-Finnish European, 0.000085%; no homozygotes.

Submission:

GeneDx
Classification: Uncertain significance. Last evaluated: 2022-07-24. Review status: criteria provided, single submitter. Criteria: GeneDx Variant Classification Process June 2021. Collection method: clinical testing. Allele origin: germline. Affected: yes.
Comment: Not observed at significant frequency in large population cohorts (gnomAD); In silico analysis supports that this missense variant has a deleterious effect on protein structure/function; Has not been previously published as pathogenic or benign to our knowledge